The following is an entry in ClinVar:

NM_000038.6(APC):c.2555T>C (p.Leu852Ser)

Gene: APC (APC regulator of Wnt signaling pathway; plus strand). Cytogenetic location: 5q22.2.
Variant type: single nucleotide variant.
Coding change: c.2555T>C on transcript NM_000038.6 (MANE Select); coding-DNA position 2555, T replaced by C.
Protein change: p.Leu852Ser; replaces leucine 852 with serine.
Molecular consequence: missense variant. On other transcripts: non-coding transcript variant (2).
Genome position (GRCh38, 1-based): chr5:112,838,149, T>C. VCF-style: chr5-112838149-T-C. GRCh37 (hg19) VCF-style: chr5-112173846-T-C.
Other names: c.2555T>C, p.Leu852Ser (NM_001127510.3, NM_001354895.2, NM_001407450.1); c.2501T>C, p.Leu834Ser (NM_001127511.3); c.2609T>C, p.Leu870Ser (NM_001354896.2, NM_001407447.1, NM_001407448.1 and 1 more transcripts); c.2585T>C, p.Leu862Ser (NM_001354897.2); c.2480T>C, p.Leu827Ser (NM_001354898.2); c.2471T>C, p.Leu824Ser (NM_001354899.2); c.2432T>C, p.Leu811Ser (NM_001354900.2); c.2378T>C, p.Leu793Ser (NM_001354901.2, NM_001407453.1); and 11 more; short protein forms L569S, L726S, L761S, L793S, L811S, L827S, L834S, L845S.
Identifiers: ClinVar variation 2706254 (VCV002706254.3), dbSNP rs1405022793, ClinGen allele CA16026931.

ClinVar aggregate classification (germline): Uncertain significance (1 of 4 stars; one submission).

Conditions:
Familial adenomatous polyposis 1 (FAP1). Also called: POLYPOSIS, ADENOMATOUS INTESTINAL; FAMILIAL ADENOMATOUS POLYPOSIS 1, ATTENUATED. Identifiers: MedGen C2713442, MONDO:0021056, OMIM 175100. Disease mechanism: loss of function.

Submission:

Labcorp Genetics (formerly Invitae), Labcorp
Classification: Uncertain significance for Familial adenomatous polyposis 1. Last evaluated: 2023-12-29. Review status: criteria provided, single submitter. Criteria: Invitae Variant Classification Sherloc (09022015). Collection method: clinical testing. Allele origin: germline.
Comment: This sequence change replaces leucine, which is neutral and non-polar, with serine, which is neutral and polar, at codon 852 of the APC protein (p.Leu852Ser). This variant is not present in population databases (gnomAD no frequency). This variant has not been reported in the literature in individuals affected with APC-related conditions. Advanced modeling of protein sequence and biophysical properties (such as structural, functional, and spatial information, amino acid conservation, physicochemical variation, residue mobility, and thermodynamic stability) performed at Invitae indicates that this missense variant is not expected to disrupt APC protein function with a negative predictive value of 95%. In summary, the available evidence is currently insufficient to determine the role of this variant in disease. Therefore, it has been classified as a Variant of Uncertain Significance.